The following is an entry in ClinVar:

NM_020427.3(SLURP1):c.211C>T (p.Arg71Cys)

Gene: SLURP1 (secreted LY6/PLAUR domain containing 1; minus strand). Cytogenetic location: 8q24.3.
Variant type: single nucleotide variant.
Coding change: c.211C>T on transcript NM_020427.3 (MANE Select); coding-DNA position 211, C replaced by T.
Protein change: p.Arg71Cys; replaces arginine 71 with cysteine.
Molecular consequence: missense variant.
Genome position (GRCh38, 1-based): chr8:142,741,244, G>A on the plus strand (C>T on the coding strand, the complement: SLURP1 is on the minus strand). VCF-style: chr8-142741244-G-A. GRCh37 (hg19) VCF-style: chr8-143822662-G-A.
Other names: short protein forms R71C.
Identifiers: ClinVar variation 2500803 (VCV002500803.3), dbSNP rs1051064544, ClinGen allele CA187457958.

ClinVar aggregate classification (germline): Uncertain significance. Review status: criteria provided, single submitter (1 of 4 stars). 2 submissions from 2 submitters: Uncertain significance (1). 1 of the submissions does not count toward it.

Conditions:
Acroerythrokeratoderma (MDM). Also called: Mal de Meleda; KERATOSIS PALMOPLANTARIS TRANSGREDIENS OF SIEMENS; Meleda disease; PALMOPLANTAR KERATODERMA, NORRBOTTEN RECESSIVE TYPE; PALMOPLANTAR KERATODERMA, GAMBORG NIELSEN TYPE. Identifiers: Orphanet 87503, MedGen C0025221, MONDO:0009552, OMIM 248300.

Allele frequency attached by ClinVar (database versions not stated): TOPMed 0.00002; gnomAD 0.00003; gnomAD exomes 0.00003.

Submissions (2):

Neuberg Centre For Genomic Medicine, NCGM
Classification: Uncertain significance for Acroerythrokeratoderma. Review status: criteria provided, single submitter. Criteria: ACMG Guidelines, 2015. Collection method: clinical testing. Allele origin: germline. Inheritance: Autosomal recessive inheritance. Affected: yes.
Comment: The observed missense c.211C>T(p.Arg71Cys) variant in SLURP1 gene has been reported previously in homozygous state in individual(s) affected with mal de Meleda (MDM) disease (Radiono S, et al., 2017; Karaca Z, et al., 2021). The p.Arg71Cys variant has been reported with allele frequency of 0.0004% in gnomAD Exomes. This variant has not been submitted to the ClinVar database. The amino acid Arg at position 71 is changed to a Cys changing protein sequence and it might alter its composition and physico-chemical properties. Multiple lines of computational evidence predict a damaging effect on protein structure and function for this variant. For these reasons, this variant has been classified as a Variant of Uncertain Significance (VUS).

Dermatology, The Second Affiliated Hospital of Xi'an Jiaotong University
Classification: Pathogenic for Acroerythrokeratoderma. Review status: no assertion criteria provided. Collection method: clinical testing. Allele origin: inherited. Inheritance: Autosomal recessive inheritance. Affected: yes. Not counted in ClinVar's aggregate classification.